The following is an entry in ClinVar:

NM_004004.6(GJB2):c.*1033G>A

Gene: GJB2 (gap junction protein beta 2; minus strand). Cytogenetic location: 13q12.11.
Variant type: single nucleotide variant.
Coding change: c.*1033G>A on transcript NM_004004.6 (MANE Select); 1033 bases downstream of the stop codon, G replaced by A.
Molecular consequence: 3 prime UTR variant.
Genome position (GRCh38, 1-based): chr13:20,187,868, C>T on the plus strand (G>A on the coding strand, the complement: GJB2 is on the minus strand). VCF-style: chr13-20187868-C-T. GRCh37 (hg19) VCF-style: chr13-20762007-C-T.
Identifiers: ClinVar variation 311358 (VCV000311358.5), dbSNP rs185790172, ClinGen allele CA10639102.

ClinVar aggregate classification (germline): Conflicting classifications of pathogenicity. Review status: criteria provided, conflicting classifications (1 of 4 stars). 3 submissions from 1 submitter: Uncertain significance (1); Benign (1); Likely benign (1). Last evaluated 2018-01-13.

Conditions:
Autosomal recessive nonsyndromic hearing loss 1A (DFNB1A). Also called: GJB6-Related DFNB 1 Nonsyndromic Hearing Loss and Deafness; Deafness, autosomal recessive 1A; Nonsyndromic Hearing Loss and Deafness, DFNB1; GJB2-Related Autosomal Recessive Nonsyndromic Hearing Loss; Connexin 26 deafness; Deafness nonsyndromic, Connexin 26 linked. Identifiers: Orphanet 90636, MedGen C2673759, MONDO:0009076, OMIM 220290.
Ichthyosis, hystrix-like, with hearing loss. Also called: Hystrix-like ichthyosis with deafness. Identifiers: Orphanet 477, MedGen C1865234, MONDO:0011245.
Autosomal dominant nonsyndromic hearing loss 3A. Identifiers: Orphanet 90635, MedGen C2675750, MONDO:0011103, OMIM 601544.

Allele frequency attached by ClinVar (database versions not stated): gnomAD 0.00026 and 0.00033; TOPMed 0.00023; 1000 Genomes Project 30x 0.00062; 1000 Genomes Project 0.00060.

Submissions (3):

Illumina Laboratory Services, Illumina
Classification: Uncertain significance for Autosomal recessive nonsyndromic hearing loss 1A. Last evaluated: 2018-01-13. Review status: criteria provided, single submitter. Criteria: ICSL Variant Classification Criteria 13 December 2019. Collection method: clinical testing. Allele origin: germline.

Illumina Laboratory Services, Illumina
Classification: Likely benign for Autosomal dominant nonsyndromic hearing loss 3A. Last evaluated: 2018-01-13. Review status: criteria provided, single submitter. Criteria: ICSL Variant Classification Criteria 13 December 2019. Collection method: clinical testing. Allele origin: germline.
Comment: This variant was observed in the ICSL laboratory as part of a predisposition screen in an ostensibly healthy population. It had not been previously curated by ICSL or reported in the Human Gene Mutation Database (HGMD: prior to June 1st, 2018), and was therefore a candidate for classification through an automated scoring system. Utilizing variant allele frequency, disease prevalence and penetrance estimates, and inheritance mode, an automated score was calculated to assess if this variant is too frequent to cause the disease. Based on the score and internal cut-off values, a variant classified as likely benign is not then subjected to further curation. The score for this variant resulted in a classification of likely benign for this disease.

Illumina Laboratory Services, Illumina
Classification: Benign for Autosomal dominant keratitis-ichthyosis-hearing loss syndrome. Last evaluated: 2018-01-13. Review status: criteria provided, single submitter. Criteria: ICSL Variant Classification Criteria 13 December 2019. Collection method: clinical testing. Allele origin: germline.
Comment: This variant was observed in the ICSL laboratory as part of a predisposition screen in an ostensibly healthy population. It had not been previously curated by ICSL or reported in the Human Gene Mutation Database (HGMD: prior to June 1st, 2018), and was therefore a candidate for classification through an automated scoring system. Utilizing variant allele frequency, disease prevalence and penetrance estimates, and inheritance mode, an automated score was calculated to assess if this variant is too frequent to cause the disease. Based on the score and internal cut-off values, a variant classified as benign is not then subjected to further curation. The score for this variant resulted in a classification of benign for this disease.